The following is an entry in ClinVar:

NM_001849.4(COL6A2):c.1609G>A (p.Gly537Arg)

Gene: COL6A2 (collagen type VI alpha 2 chain; plus strand). Cytogenetic location: 21q22.3.
Variant type: single nucleotide variant.
Coding change: c.1609G>A on transcript NM_001849.4 (MANE Select); coding-DNA position 1609, G replaced by A.
Protein change: p.Gly537Arg; replaces glycine 537 with arginine.
Molecular consequence: missense variant.
Genome position (GRCh38, 1-based): chr21:46,122,875, G>A. VCF-style: chr21-46122875-G-A. GRCh37 (hg19) VCF-style: chr21-47542789-G-A.
Other names: c.1609G>A, p.Gly537Arg (NM_058174.3, NM_058175.3); short protein forms G537R.
Identifiers: ClinVar variation 2007071 (VCV002007071.4), dbSNP rs2517009344, ClinGen allele CA410534665.

ClinVar aggregate classification (germline): Uncertain significance (1 of 4 stars; one submission).

Conditions:
Bethlem myopathy 1A. Also called: MYOPATHY, BENIGN CONGENITAL, WITH CONTRACTURES; Bethlem myopathy 1; Bethlem Muscular Dystrophy. Identifiers: Orphanet 610, MedGen CN029274, MONDO:0024530, OMIM 158810.

Submission:

Labcorp Genetics (formerly Invitae), Labcorp
Classification: Uncertain significance for Bethlem myopathy 1A. Last evaluated: 2022-06-15. Review status: criteria provided, single submitter. Criteria: Invitae Variant Classification Sherloc (09022015). Collection method: clinical testing. Allele origin: germline.
Comment: This variant disrupts the triple helix domain of COL6A2. Glycine residues within the Gly-Xaa-Yaa repeats of the triple helix domain are required for the structure and stability of fibrillar collagens (PMID: 7695699, 8218237, 19344236). In COL6A2, missense variants at these glycine residues are significantly enriched in individuals with autosomal dominant disease (PMID: 15689448, 24038877) compared to the general population (ExAC). In summary, the available evidence is currently insufficient to determine the role of this variant in disease. Therefore, it has been classified as a Variant of Uncertain Significance. Algorithms developed to predict the effect of missense changes on protein structure and function (SIFT, PolyPhen-2, Align-GVGD) all suggest that this variant is likely to be disruptive. This variant has not been reported in the literature in individuals affected with COL6A2-related conditions. This sequence change replaces glycine, which is neutral and non-polar, with arginine, which is basic and polar, at codon 537 of the COL6A2 protein (p.Gly537Arg). This variant is not present in population databases (gnomAD no frequency).

Literature cited by the submitters: PubMed 7695699; PubMed 8218237; PubMed 19344236; PubMed 15689448; PubMed 24038877.